The following is an entry in ClinVar:

NM_025114.4(CEP290):c.3610C>T (p.His1204Tyr)

Gene: CEP290 (centrosomal protein 290; minus strand). Cytogenetic location: 12q21.32.
Variant type: single nucleotide variant.
Coding change: c.3610C>T on transcript NM_025114.4 (MANE Select); coding-DNA position 3610, C replaced by T.
Protein change: p.His1204Tyr; replaces histidine 1204 with tyrosine.
Molecular consequence: missense variant.
Genome position (GRCh38, 1-based): chr12:88,089,451, G>A on the plus strand (C>T on the coding strand, the complement: CEP290 is on the minus strand). VCF-style: chr12-88089451-G-A. GRCh37 (hg19) VCF-style: chr12-88483228-G-A.
Other names: short protein forms H1204Y.
Identifiers: ClinVar variation 3355659 (VCV003355659.1).
Genomic context (GRCh38, chr12:88,089,451, plus strand): 5'-TTGACTCCAACTTACCAAGAGCAGTAGCCTCACTCAGTTGAAGAGAGACATTATGTTGGT[G>A]CAACTTGGCAATGAGCGACTTTTCATCAGACTGTGCCTGATATTAAAAAAAATATATATT-3'
Protein context (NP_079390.3, residues 1194-1214): SDEKSLIAKL[His1204Tyr]QHNVSLQLSE

ClinVar aggregate classification (germline): Uncertain significance (0 of 4 stars; one submission).

Conditions:
CEP290-related disorder. Also called: CEP290-related condition; CEP290-related disorders. Identifiers: MedGen CN239314.

gnomAD v4.1: 15 of 1,573,396 alleles (0.00095%); highest among the groups gnomAD compares: South Asian, 0.014%; no homozygotes.

Submission:

PreventionGenetics, part of Exact Sciences
Classification: Uncertain significance for CEP290-related condition. Last evaluated: 2024-09-25. Review status: no assertion criteria provided. Collection method: clinical testing. Allele origin: germline.
Comment: The CEP290 c.3610C>T variant is predicted to result in the amino acid substitution p.His1204Tyr. To our knowledge, this variant has not been reported in the literature. This variant is reported in 0.012% of alleles in individuals of South Asian descent in gnomAD. At this time, the clinical significance of this variant is uncertain due to the absence of conclusive functional and genetic evidence.